The following is an entry in ClinVar:

ClinVar aggregate classification (germline): Pathogenic (1 of 4 stars; one submission).

Conditions:
Neuromuscular disease caused by qualitative or quantitative defects of dysferlin. Also called: Dysferlinopathy; Qualitative or quantitative defects of dysferlin. Identifiers: Orphanet 207073, MedGen C2931687, MONDO:0016145.

Submission:

Labcorp Genetics (formerly Invitae), Labcorp
Classification: Pathogenic for Neuromuscular disease caused by qualitative or quantitative defects of dysferlin. Last evaluated: 2022-06-17. Review status: criteria provided, single submitter. Criteria: Invitae Variant Classification Sherloc (09022015). Collection method: clinical testing. Allele origin: germline.
Comment: For these reasons, this variant has been classified as Pathogenic. This variant has not been reported in the literature in individuals affected with DYSF-related conditions. This variant is not present in population databases (gnomAD no frequency). This sequence change creates a premature translational stop signal (p.Leu716Alafs*33) in the DYSF gene. It is expected to result in an absent or disrupted protein product. Loss-of-function variants in DYSF are known to be pathogenic (PMID: 17698709, 20301480).

Literature cited by the submitters: PubMed 17698709; PubMed 20301480.

NM_001130987.2(DYSF):c.2200_2205delinsGCTCA (p.Leu734fs)

Gene: DYSF (dysferlin; plus strand). Cytogenetic location: 2p13.2.
Variant type: Indel.
Coding change: c.2200_2205delinsGCTCA on transcript NM_001130987.2 (MANE Select); coding-DNA positions 2200 to 2205, CTCATC replaced by GCTCA.
Protein change: p.Leu734fs; shifts the reading frame from leucine 734.
Molecular consequence: frameshift variant.
Genome position (GRCh38, 1-based): chr2:71,556,055-71,556,060, CTCATC replaced by GCTCA. VCF-style: chr2-71556055-CTCATC-GCTCA. GRCh37 (hg19) VCF-style: chr2-71783185-CTCATC-GCTCA.
Other names: c.2149_2154delinsGCTCA, p.Leu717fs (NM_001130455.2, NM_001130983.2); c.2104_2109delinsGCTCA, p.Leu702fs (NM_001130976.2, NM_001130977.2); c.2146_2151delinsGCTCA, p.Leu716fs (NM_001130978.2, NM_003494.4); c.2239_2244delinsGCTCA, p.Leu747fs (NM_001130979.2); c.2197_2202delinsGCTCA, p.Leu733fs (NM_001130980.2, NM_001130981.2); c.2242_2247delinsGCTCA, p.Leu748fs (NM_001130982.2); c.2107_2112delinsGCTCA, p.Leu703fs (NM_001130984.2, NM_001130986.2); c.2200_2205delinsGCTCA, p.Leu734fs (NM_001130985.2); short protein forms L703fs, L733fs, L734fs, L748fs, L702fs, L716fs, L717fs, L747fs.
Identifiers: ClinVar variation 971249 (VCV000971249.5), dbSNP rs2091313766, ClinGen allele CA1139657086.
Genomic context (GRCh38, chr2:71,556,055, plus strand): 5'-CTGAAGGCGCAGTGCTCCACGGAGGACGTGGACTCGCTGGTGGCTCAGCTGACGGATGAG[CTCATC>GCTCA]GCAGGCTGCAGGTAGGGGGGACCTGGCGCCCCTGGTGCCCACCTCTCCTGGCTCAACTGG-3'